The following is an entry in ClinVar:

ClinVar aggregate classification (germline): Uncertain significance. Review status: criteria provided, multiple submitters, no conflicts (2 of 4 stars). 2 submissions from 2 submitters: Uncertain significance (2). Last evaluated 2023-05-30.

Conditions:
Cardiovascular phenotype. Identifiers: MedGen CN230736.

Allele frequency attached by ClinVar (database versions not stated): gnomAD exomes below 0.00001.
gnomAD v4.1: 3 of 1,613,880 alleles (0.00019%); highest among the groups gnomAD compares: Non-Finnish European, 0.00025%; no homozygotes.

Submissions (2):

Ambry Genetics
Classification: Uncertain significance for Cardiovascular phenotype. Last evaluated: 2023-05-30. Review status: criteria provided, single submitter. Criteria: Ambry Variant Classification Scheme 2023. Collection method: clinical testing. Allele origin: germline.
Comment: The p.D3644G variant (also known as c.10931A>G), located in coding exon 41 of the ANK2 gene, results from an A to G substitution at nucleotide position 10931. The aspartic acid at codon 3644 is replaced by glycine, an amino acid with similar properties. This amino acid position is highly conserved in available vertebrate species. In addition, this alteration is predicted to be deleterious by in silico analysis. Since supporting evidence is limited at this time, the clinical significance of this alteration remains unclear.

AiLife Diagnostics
Classification: Uncertain significance. Last evaluated: 2021-09-08. Review status: criteria provided, single submitter. Criteria: ACMG Guidelines, 2015. Collection method: clinical testing. Allele origin: germline. Affected: yes. Observed: 1 variant allele.

NM_001148.6(ANK2):c.10931A>G (p.Asp3644Gly)

Gene: ANK2 (ankyrin 2; plus strand). Cytogenetic location: 4q26.
Variant type: single nucleotide variant.
Coding change: c.10931A>G on transcript NM_001148.6 (MANE Select); coding-DNA position 10931, A replaced by G.
Protein change: p.Asp3644Gly; replaces aspartic acid 3644 with glycine.
Molecular consequence: missense variant.
Genome position (GRCh38, 1-based): chr4:113,365,081, A>G. VCF-style: chr4-113365081-A-G. GRCh37 (hg19) VCF-style: chr4-114286237-A-G.
Other names: c.4649A>G, p.Asp1550Gly (NM_001127493.3); c.4688A>G, p.Asp1563Gly (NM_001354225.2); c.4577A>G, p.Asp1526Gly (NM_001354228.2, NM_001354258.2); c.4655A>G, p.Asp1552Gly (NM_001354230.2); c.4718A>G, p.Asp1573Gly (NM_001354231.2, NM_001354242.2); c.4712A>G, p.Asp1571Gly (NM_001354232.2); c.4673A>G, p.Asp1558Gly (NM_001354235.2, NM_001354246.2, NM_001354265.2); c.4574A>G, p.Asp1525Gly (NM_001354236.2); and 35 more; short protein forms D1398G, D1431G, D1459G, D1464G, D1472G, D1481G, D1484G, D1486G.
Identifiers: ClinVar variation 1677492 (VCV001677492.4), dbSNP rs997833950, ClinGen allele CA103821624.